The following is an entry in ClinVar:

NM_001369268.1(ACAN):c.7462C>T (p.Pro2488Ser)

Gene: ACAN (aggrecan; plus strand). Cytogenetic location: 15q26.1.
Variant type: single nucleotide variant.
Coding change: c.7462C>T on transcript NM_001369268.1 (MANE Select); coding-DNA position 7462, C replaced by T.
Protein change: p.Pro2488Ser; replaces proline 2488 with serine.
Molecular consequence: missense variant. On other transcripts: intron variant (1).
Genome position (GRCh38, 1-based): chr15:88,873,856, C>T. VCF-style: chr15-88873856-C-T. GRCh37 (hg19) VCF-style: chr15-89417087-C-T.
Other names: c.7348C>T, p.Pro2450Ser (NM_013227.4); c.7220-549C>T (NM_001135.4); c.7348C>T (NM_013227.3); short protein forms P2450S, P2488S.
Identifiers: ClinVar variation 1446694 (VCV001446694.8), dbSNP rs375041472, ClinGen allele CA7720701.

ClinVar aggregate classification (germline): Uncertain significance. Review status: criteria provided, multiple submitters, no conflicts (2 of 4 stars). 2 submissions from 2 submitters: Uncertain significance (2). Last evaluated 2024-07-02.

Conditions:
Inborn genetic diseases. Identifiers: MedGen C0950123, MeSH D030342.

Allele frequency attached by ClinVar (database versions not stated): ExAC 0.00003; gnomAD 0.00003; TOPMed 0.00003; ESP Exome Variant Server 0.00017.
gnomAD v4.1: 79 of 1,613,570 alleles (0.0049%); highest among the groups gnomAD compares: Non-Finnish European, 0.0064%; no homozygotes.

Submissions (2):

Ambry Genetics
Classification: Uncertain significance for Inborn genetic diseases. Last evaluated: 2024-07-02. Review status: criteria provided, single submitter. Criteria: Ambry Variant Classification Scheme 2023. Collection method: clinical testing. Allele origin: germline.

Labcorp Genetics (formerly Invitae), Labcorp
Classification: Uncertain significance. Last evaluated: 2023-07-10. Review status: criteria provided, single submitter. Criteria: Invitae Variant Classification Sherloc (09022015). Collection method: clinical testing. Allele origin: germline.
Comment: ClinVar contains an entry for this variant (Variation ID: 1446694). In summary, the available evidence is currently insufficient to determine the role of this variant in disease. Therefore, it has been classified as a Variant of Uncertain Significance. An algorithm developed to predict the effect of missense changes on protein structure and function (PolyPhen-2) suggests that this variant is likely to be disruptive. This variant has not been reported in the literature in individuals affected with ACAN-related conditions. This variant is present in population databases (rs375041472, gnomAD 0.005%). This sequence change replaces proline, which is neutral and non-polar, with serine, which is neutral and polar, at codon 2450 of the ACAN protein (p.Pro2450Ser).